The following is an entry in ClinVar:

ClinVar aggregate classification (germline): Pathogenic (1 of 4 stars; one submission).

Conditions:
Waardenburg syndrome type 2A (WS2A). Also called: WAARDENBURG SYNDROME WITHOUT DYSTOPIA CANTHORUM. Identifiers: Orphanet 3440, MedGen C1860339, MONDO:0008671, OMIM 193510.

Submission:

Laboratory of Molecular, Cellular and Translation Genetics in Otolaryngology/ Lim32-hcfmusp, University of Sao Paulo School of Medicine Clinics Hospital
Classification: Pathogenic for Waardenburg syndrome type 2A. Review status: criteria provided, single submitter. Criteria: ClinGen HL ACMG Specifications v1. Collection method: research. Allele origin: germline. Inheritance: Autosomal dominant inheritance. Affected: yes. Observed: 1 variant allele, 1 heterozygote. Segregation with disease observed.
Comment: de novo variant.

Literature cited by the submitters: PubMed 34599368.

NM_001354604.2(MITF):c.644dup (p.His215fs)

Gene: MITF (melanocyte inducing transcription factor; plus strand). Cytogenetic location: 3p13.
Variant type: Duplication.
Coding change: c.644dup on transcript NM_001354604.2 (MANE Select); coding-DNA position 644, one base duplicated (A; older notation c.644dupA).
Protein change: p.His215fs; shifts the reading frame from histidine 215.
Molecular consequence: frameshift variant.
Genome position (GRCh38, 1-based): chr3:69,939,159, A duplicated. VCF-style (leftmost placement, unchanged base first): chr3-69939158-C-CA. GRCh37 (hg19) VCF-style: chr3-69988309-C-CA.
Other names: c.323_324insA (NM_000248.4); c.323dup, p.His108fs (NM_000248.4, NM_198158.3); c.488dup, p.His163fs (NM_001184967.2, NM_001354608.2); c.641dup, p.His214fs (NM_001354605.2, NM_001354606.2, NM_006722.3); c.593dup, p.His198fs (NM_001354607.2); c.644dup, p.His215fs (NM_198159.3); c.596dup, p.His199fs (NM_198177.3); c.155dup, p.His52fs (NM_198178.3); short protein forms H108fs, H163fs, H198fs, H199fs, H214fs, H215fs, H52fs.
Identifiers: ClinVar variation 1202631 (VCV001202631.1), dbSNP rs2107483975, ClinGen allele CA2499216978.